The following is an entry in ClinVar:

NM_001184880.2(PCDH19):c.290C>T (p.Pro97Leu)

Gene: PCDH19 (protocadherin 19; minus strand). Cytogenetic location: Xq22.1.
Variant type: single nucleotide variant.
Coding change: c.290C>T on transcript NM_001184880.2 (MANE Select); coding-DNA position 290, C replaced by T.
Protein change: p.Pro97Leu; replaces proline 97 with leucine.
Molecular consequence: missense variant.
Genome position (GRCh38, 1-based): chrX:100,408,308, G>A on the plus strand (C>T on the coding strand, the complement: PCDH19 is on the minus strand). VCF-style: chrX-100408308-G-A. GRCh37 (hg19) VCF-style: chrX-99663306-G-A.
Other names: c.290C>T, p.Pro97Leu (NM_020766.3, NM_001105243.2); short protein forms P97L.
Identifiers: ClinVar variation 2882055 (VCV002882055.3), dbSNP rs2520996278, ClinGen allele CA414010833.
Genomic context (GRCh38, chrX:100,408,308, plus strand): 5'-ACCTTTATCACGCAGATTTCCATTGAGCTGGACATGACCTCGAGCGAGATGATGCACTTG[G>A]GGCTCTGGCGGCACAGCAGATCACGGTCAATCTTCTGCTTGGTGACCAGCAGGCCAGAGC-3'
Protein context (NP_001171809.1, residues 87-107): IDRDLLCRQS[Pro97Leu]KCIISLEVMS

ClinVar aggregate classification (germline): Uncertain significance (1 of 4 stars; one submission).

Conditions:
Developmental and epileptic encephalopathy, 9 (DEE9). Also called: Early infantile epileptic encephalopathy 9; JUBERG-HELLMAN SYNDROME; PCDH19-Related X-Linked Female-Limited Epilepsy with Mental Retardation; EPILEPSY, FEMALE-RESTRICTED, WITH MENTAL RETARDATION. Identifiers: Orphanet 101039, Orphanet 2076, MedGen C1848137, MONDO:0010246, OMIM 300088. Disease mechanism: loss of function.

Allele frequency attached by ClinVar (database versions not stated): gnomAD exomes below 0.00001.
gnomAD v4.1: 2 of 1,211,518 alleles (0.00017%); highest among the groups gnomAD compares: Non-Finnish European, 0.00022%; no homozygotes.

Submission:

Labcorp Genetics (formerly Invitae), Labcorp
Classification: Uncertain significance for Developmental and epileptic encephalopathy, 9. Last evaluated: 2024-05-22. Review status: criteria provided, single submitter. Criteria: Invitae Variant Classification Sherloc (09022015). Collection method: clinical testing. Allele origin: germline.
Comment: This sequence change replaces proline, which is neutral and non-polar, with leucine, which is neutral and non-polar, at codon 97 of the PCDH19 protein (p.Pro97Leu). This variant is not present in population databases (gnomAD no frequency). This variant has not been reported in the literature in individuals affected with PCDH19-related conditions. Advanced modeling of protein sequence and biophysical properties (such as structural, functional, and spatial information, amino acid conservation, physicochemical variation, residue mobility, and thermodynamic stability) performed at Invitae indicates that this missense variant is not expected to disrupt PCDH19 protein function with a negative predictive value of 95%. In summary, the available evidence is currently insufficient to determine the role of this variant in disease. Therefore, it has been classified as a Variant of Uncertain Significance.